The following is an entry in ClinVar:

ClinVar aggregate classification (germline): Uncertain significance. Review status: reviewed by expert panel (3 of 4 stars). 2 submissions from 2 submitters: Uncertain significance (1). 1 of the submissions does not count toward it. Last evaluated 2024-03-15.

Conditions:
Telangiectasia, hereditary hemorrhagic, type 1 (HHT1). Also called: Osler Weber Rendu syndrome type 1; ENG-Related Hereditary Hemorrhagic Telangiectasia. Identifiers: Orphanet 774, MedGen C4551861, MONDO:0008535, OMIM 187300. Disease mechanism: loss of function.
Hereditary hemorrhagic telangiectasia (HHT). Also called: Osler hemorrhagic telangiectasia syndrome; ORW DISEASE; Osler Weber Rendu syndrome; OSLER-RENDU-WEBER DISEASE. Identifiers: Orphanet 774, MedGen C0039445, MONDO:0019180. Disease mechanism: loss of function.

Submissions (2):

ClinGen Hereditary Hemorrhagic Telangiectasia Variant Curation Expert Panel, ClinGen
Classification: Uncertain significance for Telangiectasia, hereditary hemorrhagic, type 1. Last evaluated: 2024-03-15. Review status: reviewed by expert panel. Criteria: ClinGen HHT ACMG Specifications ENG V1.1.0. Collection method: curation. Allele origin: germline. Inheritance: Autosomal dominant inheritance.
Comment: The NM_001114753.3: c.1160T>C variant in ENG is a missense variant predicted to cause substitution of leucine by proline at amino acid 387 (p.Leu387Pro). This variant is absent from gnomAD v2.1.1 (PM2_Supporting). The computational predictor REVEL gives a score of 0.78, which is above the threshold of greater than or equal to 0.644, evidence that correlates with impact to ENG function (PP3). In summary, this variant meets the criteria to be classified as a variant of uncertain significance for autosomal dominant hereditary hemorrhagic telangiectasia based on the ACMG/AMP criteria applied, as specified by the ClinGen Hereditary Hemorrhagic Telangiectasia Variant Curation Expert Panel: PM2_Supporting, PP3 (specification version 1.0.0; 1/4/2024).

Labcorp Genetics (formerly Invitae), Labcorp
Classification: Likely pathogenic for Hereditary hemorrhagic telangiectasia. Last evaluated: 2025-05-04. Review status: criteria provided, single submitter. Criteria: Invitae Variant Classification Sherloc (09022015). Collection method: clinical testing. Allele origin: germline. Not counted in ClinVar's aggregate classification.
Comment: This sequence change replaces leucine, which is neutral and non-polar, with proline, which is neutral and non-polar, at codon 387 of the ENG protein (p.Leu387Pro). This variant is not present in population databases (gnomAD no frequency). This missense change has been observed in individual(s) with hereditary hemorrhagic telangiectasia (internal data). ClinVar contains an entry for this variant (Variation ID: 565574). Invitae Evidence Modeling of protein sequence and biophysical properties (such as structural, functional, and spatial information, amino acid conservation, physicochemical variation, residue mobility, and thermodynamic stability) indicates that this missense variant is expected to disrupt ENG protein function with a positive predictive value of 95%. In summary, the currently available evidence indicates that the variant is pathogenic, but additional data are needed to prove that conclusively. Therefore, this variant has been classified as Likely Pathogenic.

NM_001114753.3(ENG):c.1160T>C (p.Leu387Pro)

Genes: ENG (endoglin; minus strand), LOC102723566 (uncharacterized LOC102723566; plus strand). Cytogenetic location: 9q34.11.
Variant type: single nucleotide variant.
Coding change: c.1160T>C on transcript NM_001114753.3 (MANE Select); coding-DNA position 1160, T replaced by C.
Protein change: p.Leu387Pro; replaces leucine 387 with proline.
Molecular consequence: missense variant.
Genome position (GRCh38, 1-based): chr9:127,820,012, A>G on the plus strand (T>C on the coding strand, the complement: ENG is on the minus strand). VCF-style: chr9-127820012-A-G. GRCh37 (hg19) VCF-style: chr9-130582291-A-G.
Other names: NM_001114753.3(ENG):c.1160T>C; p.Leu387Pro; c.1160T>C, p.Leu387Pro (NM_000118.4); c.614T>C, p.Leu205Pro (NM_001278138.2); short protein forms L387P, L205P.
Identifiers: ClinVar variation 565574 (VCV000565574.10), dbSNP rs1564453623, ClinGen allele CA374978784.
Genomic context (GRCh38, chr9:127,820,012, plus strand): 5'-CTGCGCAAGACAAACTTGTCACCCCTGTCCTCTGCCTCACAGCTGGGGTCCCAGAAGGTC[A>G]GGCCCGTGATGGTGCACTTCAAATGCTGGGTCGGAAGAGAGGGGCACCATCAGGAGGCAC-3'
Protein context (NP_001108225.1, residues 377-397): VAHLKCTITG[Leu387Pro]TFWDPSCEAE